The following is an entry in ClinVar:

NM_002693.3(POLG):c.614A>G (p.Glu205Gly)

Genes: POLG (DNA polymerase gamma, catalytic subunit; minus strand), POLGARF (POLG alternative reading frame; minus strand). Cytogenetic location: 15q26.1.
Variant type: single nucleotide variant.
Coding change: c.614A>G on transcript NM_002693.3 (MANE Select); coding-DNA position 614, A replaced by G.
Protein change: p.Glu205Gly; replaces glutamic acid 205 with glycine.
Molecular consequence: missense variant.
Genome position (GRCh38, 1-based): chr15:89,333,141, T>C on the plus strand (A>G on the coding strand, the complement: POLG is on the minus strand). VCF-style: chr15-89333141-T-C. GRCh37 (hg19) VCF-style: chr15-89876372-T-C.
Other names: c.614A>G, p.Glu205Gly (NM_001126131.2); short protein forms E205G.
Identifiers: ClinVar variation 846129 (VCV000846129.12), dbSNP rs2055617012, ClinGen allele CA393770371.

ClinVar aggregate classification (germline): Uncertain significance (1 of 4 stars; one submission).

Conditions:
Progressive sclerosing poliodystrophy (MTDPS4A). Also called: NEURONAL DEGENERATION OF CHILDHOOD WITH LIVER DISEASE, PROGRESSIVE; Alpers Syndrome; Alpers-Huttenlocher Syndrome (AHS); ALPERS PROGRESSIVE INFANTILE POLIODYSTROPHY; Mitochondrial DNA Depletion Syndrome 4A; ALPERS DIFFUSE DEGENERATION OF CEREBRAL GRAY MATTER WITH HEPATIC CIRRHOSIS. Identifiers: Orphanet 726, MedGen C0205710, MONDO:0008758, OMIM 203700.

Submission:

Labcorp Genetics (formerly Invitae), Labcorp
Classification: Uncertain significance for Progressive sclerosing poliodystrophy. Last evaluated: 2020-03-20. Review status: criteria provided, single submitter. Criteria: Invitae Variant Classification Sherloc (09022015). Collection method: clinical testing. Allele origin: germline.
Comment: In summary, the available evidence is currently insufficient to determine the role of this variant in disease. Therefore, it has been classified as a Variant of Uncertain Significance. This variant has not been reported in the literature in individuals with POLG-related conditions. Algorithms developed to predict the effect of missense changes on protein structure and function are either unavailable or do not agree on the potential impact of this missense change (SIFT: "Deleterious"; PolyPhen-2: "Benign"; Align-GVGD: "Class C0"). This variant is not present in population databases (ExAC no frequency). This sequence change replaces glutamic acid with glycine at codon 205 of the POLG protein (p.Glu205Gly). The glutamic acid residue is moderately conserved and there is a moderate physicochemical difference between glutamic acid and glycine.